The following is an entry in ClinVar:

NM_078629.4(MSL3):c.928C>T (p.Pro310Ser)

Gene: MSL3 (MSL complex subunit 3; plus strand). Cytogenetic location: Xp22.2.
Variant type: single nucleotide variant.
Coding change: c.928C>T on transcript NM_078629.4 (MANE Select); coding-DNA position 928, C replaced by T.
Protein change: p.Pro310Ser; replaces proline 310 with serine.
Molecular consequence: missense variant.
Genome position (GRCh38, 1-based): chrX:11,765,486, C>T. VCF-style: chrX-11765486-C-T. GRCh37 (hg19) VCF-style: chrX-11783605-C-T.
Other names: c.892C>T, p.Pro298Ser (NM_001193270.2); c.481C>T, p.Pro161Ser (NM_001282174.1); c.430C>T, p.Pro144Ser (NM_006800.4); c.928C>T, p.Pro310Ser (NM_078628.2); short protein forms P144S, P161S, P298S, P310S.
Identifiers: ClinVar variation 3377869 (VCV003377869.1).

ClinVar aggregate classification (germline): Uncertain significance (1 of 4 stars; one submission).

Submission:

GeneDx
Classification: Uncertain significance. Last evaluated: 2024-05-16. Review status: criteria provided, single submitter. Criteria: GeneDx Variant Classification Process June 2021. Collection method: clinical testing. Allele origin: germline. Affected: yes.
Comment: Not observed at significant frequency in large population cohorts (gnomAD); In silico analysis indicates that this missense variant does not alter protein structure/function; Has not been previously published as pathogenic or benign to our knowledge